The following is an entry in ClinVar:

NM_022124.6(CDH23):c.3778G>A (p.Glu1260Lys)

Genes: C10orf105 (chromosome 10 open reading frame 105; minus strand), CDH23 (cadherin related 23; plus strand). Cytogenetic location: 10q22.1.
Variant type: single nucleotide variant.
Coding change: c.3778G>A on transcript NM_022124.6 (MANE Select); coding-DNA position 3778, G replaced by A.
Protein change: p.Glu1260Lys; replaces glutamic acid 1260 with lysine.
Molecular consequence: missense variant. On other transcripts: intron variant (1).
Genome position (GRCh38, 1-based): chr10:71,732,049, G>A. VCF-style: chr10-71732049-G-A. GRCh37 (hg19) VCF-style: chr10-73491806-G-A.
Other names: c.3778G>A, p.Glu1260Lys (NM_001171930.2); c.-6+5679C>T (NM_001168390.2); short protein forms E1260K.
Identifiers: ClinVar variation 2153868 (VCV002153868.3), dbSNP rs752118060, ClinGen allele CA5544849.
Genomic context (GRCh38, chr10:71,732,049, plus strand): 5'-GATGGTGGCCTGGTGAACTACCGCATCCTGTCGGGCGCAGAGGGGAAGTTTGAGATTGAC[G>A]AGAGCACAGGGCTTATCATCACCGTGAATTACCTGGACTACGAGACCAAGACCAGCTACA-3'
Protein context (NP_071407.4, residues 1250-1270): SGAEGKFEID[Glu1260Lys]STGLIITVNY

ClinVar aggregate classification (germline): Uncertain significance. Review status: criteria provided, multiple submitters, no conflicts (2 of 4 stars). 2 submissions from 2 submitters: Uncertain significance (2). Last evaluated 2024-10-21.

Allele frequency attached by ClinVar (database versions not stated): gnomAD 0.00001; ExAC 0.00002; gnomAD exomes 0.00003; TOPMed 0.00001.
gnomAD v4.1: 45 of 1,613,880 alleles (0.0028%); highest among the groups gnomAD compares: Non-Finnish European, 0.0034%; no homozygotes.

Submissions (2):

Labcorp Genetics (formerly Invitae), Labcorp
Classification: Uncertain significance. Last evaluated: 2024-10-21. Review status: criteria provided, single submitter. Criteria: Invitae Variant Classification Sherloc (09022015). Collection method: clinical testing. Allele origin: germline.
Comment: This sequence change replaces glutamic acid, which is acidic and polar, with lysine, which is basic and polar, at codon 1260 of the CDH23 protein (p.Glu1260Lys). This variant is present in population databases (rs752118060, gnomAD 0.003%). This variant has not been reported in the literature in individuals affected with CDH23-related conditions. ClinVar contains an entry for this variant (Variation ID: 2153868). Invitae Evidence Modeling of protein sequence and biophysical properties (such as structural, functional, and spatial information, amino acid conservation, physicochemical variation, residue mobility, and thermodynamic stability) has been performed for this missense variant. However, the output from this modeling did not meet the statistical confidence thresholds required to predict the impact of this variant on CDH23 protein function. In summary, the available evidence is currently insufficient to determine the role of this variant in disease. Therefore, it has been classified as a Variant of Uncertain Significance.

GeneDx
Classification: Uncertain significance. Last evaluated: 2023-05-31. Review status: criteria provided, single submitter. Criteria: GeneDx Variant Classification Process June 2021. Collection method: clinical testing. Allele origin: germline. Affected: yes.
Comment: Not observed at significant frequency in large population cohorts (gnomAD); In silico analysis supports that this missense variant does not alter protein structure/function; Has not been previously published as pathogenic or benign to our knowledge